The following is an entry in ClinVar:

ClinVar aggregate classification (germline): Uncertain significance. Review status: criteria provided, multiple submitters, no conflicts (2 of 4 stars). 2 submissions from 2 submitters: Uncertain significance (2). Last evaluated 2025-07-03.

Conditions:
DICER1-related tumor predisposition. Also called: DICER1-related pleuropulmonary blastoma cancer predisposition syndrome; DICER1 syndrome. Identifiers: Orphanet 284343, MedGen C3839822, MONDO:0100216.
Hereditary cancer-predisposing syndrome. Also called: Neoplastic Syndromes, Hereditary; Hereditary Cancer Syndrome; Hereditary neoplastic syndrome; Tumor predisposition. Identifiers: Orphanet 140162, MedGen C0027672, MeSH D009386, MONDO:0015356.

Allele frequency attached by ClinVar (database versions not stated): gnomAD exomes below 0.00001.
gnomAD v4.1: 4 of 1,612,814 alleles (0.00025%); highest among the groups gnomAD compares: Non-Finnish European, 0.00034%; no homozygotes.

Submissions (2):

Labcorp Genetics (formerly Invitae), Labcorp
Classification: Uncertain significance for DICER1-related tumor predisposition. Last evaluated: 2025-07-03. Review status: criteria provided, single submitter. Criteria: Invitae Variant Classification Sherloc (09022015). Collection method: clinical testing. Allele origin: germline.
Comment: This sequence change replaces lysine, which is basic and polar, with asparagine, which is neutral and polar, at codon 2 of the DICER1 protein (p.Lys2Asn). This variant is present in population databases (no rsID available, gnomAD no frequency). This variant has not been reported in the literature in individuals affected with DICER1-related conditions. ClinVar contains an entry for this variant (Variation ID: 826763). Invitae Evidence Modeling of protein sequence and biophysical properties (such as structural, functional, and spatial information, amino acid conservation, physicochemical variation, residue mobility, and thermodynamic stability) indicates that this missense variant is not expected to disrupt DICER1 protein function with a negative predictive value of 95%. In summary, the available evidence is currently insufficient to determine the role of this variant in disease. Therefore, it has been classified as a Variant of Uncertain Significance.

Ambry Genetics
Classification: Uncertain significance for Hereditary cancer-predisposing syndrome. Last evaluated: 2019-10-21. Review status: criteria provided, single submitter. Criteria: Ambry Variant Classification Scheme 2023. Collection method: clinical testing. Allele origin: germline.
Comment: The p.K2N variant (also known as c.6A>C), located in coding exon 1 of the DICER1 gene, results from an A to C substitution at nucleotide position 6. The lysine at codon 2 is replaced by asparagine, an amino acid with similar properties. This amino acid position is not well conserved in available vertebrate species. In addition, this alteration is predicted to be tolerated by in silico analysis. Since supporting evidence is limited at this time, the clinical significance of this alteration remains unclear.

NM_177438.3(DICER1):c.6A>C (p.Lys2Asn)

Gene: DICER1 (dicer 1, ribonuclease III; minus strand). Cytogenetic location: 14q32.13.
Variant type: single nucleotide variant.
Coding change: c.6A>C on transcript NM_177438.3 (MANE Select); coding-DNA position 6, A replaced by C.
Protein change: p.Lys2Asn; replaces lysine 2 with asparagine.
Molecular consequence: missense variant.
Genome position (GRCh38, 1-based): chr14:95,133,453, T>G on the plus strand (A>C on the coding strand, the complement: DICER1 is on the minus strand). VCF-style: chr14-95133453-T-G. GRCh37 (hg19) VCF-style: chr14-95599790-T-G.
Other names: c.6A>C, p.Lys2Asn (NM_001195573.1, NM_001271282.3, NM_001291628.2 and 1 more transcripts); short protein forms K2N.
Identifiers: ClinVar variation 826763 (VCV000826763.5), dbSNP rs1416298002, ClinGen allele CA390890851.